The following is an entry in ClinVar:

ClinVar aggregate classification (germline): Uncertain significance. Review status: criteria provided, multiple submitters, no conflicts (2 of 4 stars). 4 submissions from 4 submitters: Uncertain significance (4). Last evaluated 2025-02-28.

Conditions:
Hereditary cancer-predisposing syndrome. Also called: Neoplastic Syndromes, Hereditary; Hereditary Cancer Syndrome; Hereditary neoplastic syndrome; Tumor predisposition. Identifiers: Orphanet 140162, MedGen C0027672, MeSH D009386, MONDO:0015356.
Familial prostate cancer. Also called: Hereditary Prostate Cancer. Identifiers: MedGen C2931456, MONDO:0700275, OMIM 176807.
Familial cancer of breast. Also called: BREAST CANCER, FAMILIAL; hereditary breast carcinoma; Hereditary breast cancer. Identifiers: Orphanet 227535, MedGen C0346153, MONDO:0016419, OMIM 114480. Disease mechanism: loss of function.

Submissions (4):

Ambry Genetics
Classification: Uncertain significance for Hereditary cancer-predisposing syndrome. Last evaluated: 2025-02-28. Review status: criteria provided, single submitter. Criteria: Ambry Variant Classification Scheme 2023. Collection method: clinical testing. Allele origin: germline.
Comment: The p.L96F variant (also known as c.288A>T), located in coding exon 1 of the CHEK2 gene, results from an A to T substitution at nucleotide position 288. The leucine at codon 96 is replaced by phenylalanine, an amino acid with highly similar properties. This amino acid position is conserved. In addition, this alteration is predicted to be deleterious by in silico analysis. Based on the available evidence, the clinical significance of this variant remains unclear.

Blueprint Genetics
Classification: Uncertain significance. Last evaluated: 2023-12-21. Review status: criteria provided, single submitter. Criteria: ACMG Guidelines, 2015. Collection method: clinical testing. Allele origin: germline.

Labcorp Genetics (formerly Invitae), Labcorp
Classification: Uncertain significance for Familial cancer of breast. Last evaluated: 2022-11-01. Review status: criteria provided, single submitter. Criteria: Invitae Variant Classification Sherloc (09022015). Collection method: clinical testing. Allele origin: germline.
Comment: In summary, the available evidence is currently insufficient to determine the role of this variant in disease. Therefore, it has been classified as a Variant of Uncertain Significance. This sequence change replaces leucine, which is neutral and non-polar, with phenylalanine, which is neutral and non-polar, at codon 96 of the CHEK2 protein (p.Leu96Phe). This variant is not present in population databases (gnomAD no frequency). This variant has not been reported in the literature in individuals affected with CHEK2-related conditions. ClinVar contains an entry for this variant (Variation ID: 1035250). Algorithms developed to predict the effect of missense changes on protein structure and function are either unavailable or do not agree on the potential impact of this missense change (SIFT: "Deleterious"; PolyPhen-2: "Possibly Damaging"; Align-GVGD: "Class C15").

Department of Pathology and Laboratory Medicine, Sinai Health System
Classification: Uncertain significance for Familial prostate cancer. Last evaluated: 2021-11-29. Review status: criteria provided, single submitter. Criteria: ACMG Guidelines, 2015. Collection method: clinical testing. Allele origin: germline. Affected: yes.

NM_007194.4(CHEK2):c.288A>T (p.Leu96Phe)

Gene: CHEK2 (checkpoint kinase 2; minus strand). Cytogenetic location: 22q12.1.
Variant type: single nucleotide variant.
Coding change: c.288A>T on transcript NM_007194.4 (MANE Select); coding-DNA position 288, A replaced by T.
Protein change: p.Leu96Phe; replaces leucine 96 with phenylalanine.
Molecular consequence: missense variant.
Genome position (GRCh38, 1-based): chr22:28,734,434, T>A on the plus strand (A>T on the coding strand, the complement: CHEK2 is on the minus strand). VCF-style: chr22-28734434-T-A. GRCh37 (hg19) VCF-style: chr22-29130422-T-A.
Other names: c.288A>T, p.Leu96Phe (NM_001005735.3, NM_001349956.3, NM_145862.3); c.-490A>T (NM_001257387.3); short protein forms L96F.
Identifiers: ClinVar variation 1035250 (VCV001035250.11), dbSNP rs767758092, ClinGen allele CA411090338.